The following is an entry in ClinVar:

ClinVar aggregate classification (germline): Uncertain significance. Review status: criteria provided, multiple submitters, no conflicts (2 of 4 stars). 2 submissions from 2 submitters: Uncertain significance (2). Last evaluated 2024-06-16.

Conditions:
Progressive myoclonic epilepsy type 8. Identifiers: Orphanet 424027, MedGen C5190825, MONDO:0014545, OMIM 616230.

Allele frequency attached by ClinVar (database versions not stated): gnomAD 0.00002; gnomAD exomes 0.00003 and 0.00006; TOPMed 0.00003.
gnomAD v4.1: 86 of 1,613,132 alleles (0.0053%); highest among the groups gnomAD compares: Admixed American, 0.01%; no homozygotes.

Submissions (2):

Ambry Genetics
Classification: Uncertain significance. Last evaluated: 2024-06-16. Review status: criteria provided, single submitter. Criteria: Ambry Variant Classification Scheme 2023. Collection method: clinical testing. Allele origin: germline.

Labcorp Genetics (formerly Invitae), Labcorp
Classification: Uncertain significance for Progressive myoclonic epilepsy type 8. Last evaluated: 2021-08-26. Review status: criteria provided, single submitter. Criteria: Invitae Variant Classification Sherloc (09022015). Collection method: clinical testing. Allele origin: germline.
Comment: This sequence change replaces isoleucine with threonine at codon 148 of the CERS1 protein (p.Ile148Thr). The isoleucine residue is highly conserved and there is a moderate physicochemical difference between isoleucine and threonine. This variant is not present in population databases (ExAC no frequency). This variant has not been reported in the literature in individuals affected with CERS1-related conditions. Algorithms developed to predict the effect of missense changes on protein structure and function are either unavailable or do not agree on the potential impact of this missense change (SIFT: "Deleterious"; PolyPhen-2: "Probably Damaging"; Align-GVGD: "Class C15"). In summary, the available evidence is currently insufficient to determine the role of this variant in disease. Therefore, it has been classified as a Variant of Uncertain Significance.

NM_021267.5(CERS1):c.443T>C (p.Ile148Thr)

Genes: CERS1 (ceramide synthase 1; minus strand), GDF1 (growth differentiation factor 1; minus strand). Cytogenetic location: 19p13.11.
Variant type: single nucleotide variant.
Coding change: c.443T>C on transcript NM_021267.5 (MANE Select); coding-DNA position 443, T replaced by C.
Protein change: p.Ile148Thr; replaces isoleucine 148 with threonine.
Molecular consequence: missense variant. On other transcripts: 5 prime UTR variant (2).
Genome position (GRCh38, 1-based): chr19:18,884,234, A>G on the plus strand (T>C on the coding strand, the complement: CERS1 is on the minus strand). VCF-style: chr19-18884234-A-G. GRCh37 (hg19) VCF-style: chr19-18995043-A-G.
Other names: c.149T>C, p.Ile50Thr (NM_001290265.2, NM_001387442.1, NM_001387443.1 and 2 more transcripts); c.443T>C, p.Ile148Thr (NM_001387439.1, NM_001387440.1, NM_001387441.1 and 1 more transcripts); c.-460T>C (NM_001387438.1); c.-880T>C (NM_001492.6); short protein forms I50T, I148T.
Identifiers: ClinVar variation 967339 (VCV000967339.7), dbSNP rs773594278, ClinGen allele CA306248971.